The following is an entry in ClinVar:

NM_178857.6(RP1L1):c.5170C>T (p.Gln1724Ter)

Gene: RP1L1 (RP1 like 1). Cytogenetic location: 8p23.1.
Variant type: single nucleotide variant.
Coding change: c.5170C>T on transcript NM_178857.6 (MANE Select); coding-DNA position 5170, C replaced by T.
Protein change: p.Gln1724Ter; replaces glutamine 1724 with a stop codon.
Molecular consequence: nonsense.
Genome position (GRCh38, 1-based): chr8:10,608,928, G>A on the plus strand (C>T on the coding strand, the complement: RP1L1 is on the minus strand). VCF-style: chr8-10608928-G-A. GRCh37 (hg19) VCF-style: chr8-10466438-G-A.
Other names: short protein forms Q1724*.
Identifiers: ClinVar variation 3336666 (VCV003336666.1).

ClinVar aggregate classification (germline): Likely pathogenic (1 of 4 stars; one submission).

Conditions:
Retinitis pigmentosa 88. Identifiers: MedGen C5394208, MONDO:0032940, OMIM 618826.

Submission:

Igenomix - Part of Vitrolife Group, Igenomix
Classification: Likely pathogenic for Retinitis pigmentosa 88. Review status: criteria provided, single submitter. Criteria: ACMG Guidelines, 2015. Collection method: clinical testing. Allele origin: germline. Inheritance: Autosomal recessive inheritance. Affected: no.
Comment: The RP1L1 variant (NM_178857.6:c.5170C>T, p.Gln1724Ter) results in a premature termination codon, predicted to cause a truncation of the encoded protein or absence of the protein due to nonsense-mediated decay, which are commonly known mechanisms for disease (PVS1). Truncations downstream of this position have been classified as pathogenic. This variant is absent in the gnomAD v4.1.0 (PM2). To our knowledge, no experimental evidence demonstrating an impact on protein function has been reported. Based on the evidence outlined above, the variant was classified as likely pathogenic (PVS1_S, PM2). This variant was detected in heterozygous state through carrier screening.